The following is an entry in ClinVar:

ClinVar aggregate classification (germline): Uncertain significance (1 of 4 stars; one submission).

Conditions:
CNTN6-related disorder. Also called: CNTN6-related condition.

Submission:

PreventionGenetics, part of Exact Sciences
Classification: Uncertain significance for CNTN6-related condition. Last evaluated: 2025-01-24. Review status: criteria provided, single submitter. Criteria: ACMG Guidelines, 2015. Collection method: clinical testing. Allele origin: germline.
Comment: The CNTN6 c.1145G>A variant is predicted to result in the amino acid substitution p.Gly382Asp. To our knowledge, this variant has not been reported in the literature or in a large population database (gnomAD), indicating this variant is rare. At this time, the clinical significance of this variant is uncertain due to the absence of conclusive functional and genetic evidence.

NM_001289080.2(CNTN6):c.1145G>A (p.Gly382Asp)

Gene: CNTN6 (contactin 6; plus strand). Cytogenetic location: 3p26.3.
Variant type: single nucleotide variant.
Coding change: c.1145G>A on transcript NM_001289080.2 (MANE Select); coding-DNA position 1145, G replaced by A.
Protein change: p.Gly382Asp; replaces glycine 382 with aspartic acid.
Molecular consequence: missense variant. On other transcripts: intron variant (1).
Genome position (GRCh38, 1-based): chr3:1,327,518, G>A. VCF-style: chr3-1327518-G-A. GRCh37 (hg19) VCF-style: chr3-1369202-G-A.
Other names: c.929G>A, p.Gly310Asp (NM_001289081.2); c.1145G>A, p.Gly382Asp (NM_001349350.2, NM_001349351.2, NM_001349352.2 and 4 more transcripts); c.1037G>A, p.Gly346Asp (NM_001349356.2); c.833G>A, p.Gly278Asp (NM_001349357.2); c.23G>A, p.Gly8Asp (NM_001349359.2, NM_001349360.2, NM_001349361.2 and 1 more transcripts); c.659-2267G>A (NM_001349358.2); short protein forms G278D, G310D, G346D, G382D, G8D.
Identifiers: ClinVar variation 4997167 (VCV004997167.1).